The following is an entry in ClinVar:

ClinVar aggregate classification (germline): Likely benign (1 of 4 stars; one submission).

gnomAD v4.1: 64 of 1,479,438 alleles (0.0043%); highest among the groups gnomAD compares: Non-Finnish European, 0.0053%; no homozygotes.

Submission:

CeGaT Center for Human Genetics Tuebingen
Classification: Likely benign. Last evaluated: 2024-11-01. Review status: criteria provided, single submitter. Criteria: CeGaT Center For Human Genetics Tuebingen Variant Classification Criteria Version 2. Collection method: clinical testing. Allele origin: germline. Affected: yes. Observed: 1 variant allele.
Comment: PDF: BP4, BP7

NM_022341.2(PDF):c.189G>T (p.Pro63=)

Genes: COG8 (component of oligomeric golgi complex 8; minus strand), PDF (peptide deformylase, mitochondrial; minus strand). Cytogenetic location: 16q22.1.
Variant type: single nucleotide variant.
Coding change: c.189G>T on transcript NM_022341.2 (MANE Select); coding-DNA position 189, G replaced by T.
Protein change: p.Pro63=; no amino-acid change (proline 63 retained).
Molecular consequence: synonymous variant. On other transcripts: intron variant (7).
Genome position (GRCh38, 1-based): chr16:69,330,382, C>A on the plus strand (G>T on the coding strand, the complement: PDF is on the minus strand). VCF-style: chr16-69330382-C-A. GRCh37 (hg19) VCF-style: chr16-69364285-C-A.
Other names: c.1414-1203G>T (NM_001379266.1); c.1583-1203G>T (NM_001379265.1); c.1759+537G>T (NM_001379262.1); c.*23+434G>T (NM_001379264.1); c.*26+431G>T (NM_032382.5, NM_001379263.1, NM_001379261.1).
Identifiers: ClinVar variation 3388348 (VCV003388348.14).